The following is an entry in ClinVar:

ClinVar aggregate classification (germline): Conflicting classifications of pathogenicity. Review status: criteria provided, conflicting classifications (1 of 4 stars). 3 submissions from 3 submitters: Uncertain significance (1); Likely benign (2). Last evaluated 2026-07-01.

Conditions:
Hereditary spastic paraplegia 48. Also called: Spastic paraplegia 48; SPASTIC PARAPLEGIA 48, AUTOSOMAL RECESSIVE. Identifiers: Orphanet 306511, MedGen C3150901, MONDO:0013342, OMIM 613647.

Allele frequency attached by ClinVar (database versions not stated): gnomAD 0.00006 and 0.00007; TOPMed 0.00006; gnomAD exomes 0.00007 and 0.00010; ESP Exome Variant Server 0.00008; ExAC 0.00009.
gnomAD v4.1: 157 of 1,612,946 alleles (0.0097%); highest among the groups gnomAD compares: Non-Finnish European, 0.013%; no homozygotes.

Submissions (3):

CeGaT Center for Human Genetics Tuebingen
Classification: Likely benign. Last evaluated: 2026-07-01. Review status: criteria provided, single submitter. Criteria: CeGaT Center For Human Genetics Tuebingen Variant Classification Criteria Version 2. Collection method: clinical testing. Allele origin: germline. Affected: yes. Observed: 2 variant alleles.
Comment: AP5Z1: BP4, BP7

Labcorp Genetics (formerly Invitae), Labcorp
Classification: Likely benign for Hereditary spastic paraplegia 48. Last evaluated: 2025-08-14. Review status: criteria provided, single submitter. Criteria: Invitae Variant Classification Sherloc (09022015). Collection method: clinical testing. Allele origin: germline.

Illumina Laboratory Services, Illumina
Classification: Uncertain significance for Hereditary spastic paraplegia 48. Last evaluated: 2018-01-13. Review status: criteria provided, single submitter. Criteria: ICSL Variant Classification Criteria 13 December 2019. Collection method: clinical testing. Allele origin: germline.

NM_014855.3(AP5Z1):c.417G>A (p.Ala139=)

Gene: AP5Z1 (adaptor related protein complex 5 subunit zeta 1; plus strand). Cytogenetic location: 7p22.1.
Variant type: single nucleotide variant.
Coding change: c.417G>A on transcript NM_014855.3 (MANE Select); coding-DNA position 417, G replaced by A.
Protein change: p.Ala139=; no amino-acid change (alanine 139 retained).
Molecular consequence: synonymous variant. On other transcripts: 5 prime UTR variant (1), non-coding transcript variant (1).
Genome position (GRCh38, 1-based): chr7:4,783,366, G>A. VCF-style: chr7-4783366-G-A. GRCh37 (hg19) VCF-style: chr7-4822997-G-A.
Other names: c.417G>A, p.Ala139= (LRG_1247t1); c.-52G>A (NM_001364858.1).
Identifiers: ClinVar variation 360310 (VCV000360310.24), dbSNP rs201203264, ClinGen allele CA4137205.